The following is an entry in ClinVar:

NM_015046.7(SETX):c.3162_3167del (p.Asn1054_Ser1055del)

Gene: SETX (senataxin; minus strand). Cytogenetic location: 9q34.13.
Variant type: Deletion.
Coding change: c.3162_3167del on transcript NM_015046.7 (MANE Select); coding-DNA positions 3162 to 3167, 6 bases deleted (TAGTAA; older notation c.3162_3167delTAGTAA).
Protein change: p.Asn1054_Ser1055del.
Molecular consequence: inframe deletion.
Genome position (GRCh38, 1-based): chr9:132,328,431-132,328,436, TTACTA deleted on the plus strand (TAGTAA on the coding strand, the reverse complement: SETX is on the minus strand); deleting any 6 consecutive bases within chr9:132,328,431-132,328,439 gives the same sequence; the c. name uses the placement nearest the transcript's 3' end. VCF-style (leftmost placement, unchanged base first): chr9-132328430-CTTACTA-C. GRCh37 (hg19) VCF-style: chr9-135203817-CTTACTA-C.
Other names: c.3162_3167del, p.Asn1054_Ser1055del (NM_001351527.2, NM_001351528.2); c.3162_3167del (NM_015046.5); c.3162_3167del6 (NM_015046.5).
Identifiers: ClinVar variation 468498 (VCV000468498.21), dbSNP rs576141809, ClinGen allele CA5297458.

ClinVar aggregate classification (germline): Likely benign. Review status: criteria provided, multiple submitters, no conflicts (2 of 4 stars). 7 submissions from 6 submitters: Likely benign (6). 1 of the submissions does not count toward it. Last evaluated 2025-12-08.

Conditions:
SETX-related disorder. Also called: SETX-related condition; SETX-related disorders. Identifiers: MedGen CN239403.
Inborn genetic diseases. Identifiers: MedGen C0950123, MeSH D030342.
Spinocerebellar ataxia, autosomal recessive, with axonal neuropathy 2 (SCAN2). Also called: ATAXIA-OCULOMOTOR APRAXIA 2; Ataxia-ocular apraxia-2; Ataxia with Oculomotor Apraxia; Ataxia with Oculomotor Apraxia Type 2. Identifiers: Orphanet 64753, MedGen C1853761, MONDO:0018996, OMIM 606002.
Amyotrophic lateral sclerosis type 4 (ALS4). Also called: AMYOTROPHIC LATERAL SCLEROSIS 4, JUVENILE; NEURONOPATHY, DISTAL HEREDITARY MOTOR, WITH PYRAMIDAL FEATURES. Identifiers: Orphanet 357043, MedGen C1865409, MONDO:0011223, OMIM 602433.

Submissions (7):

Labcorp Genetics (formerly Invitae), Labcorp
Classification: Likely benign for Amyotrophic lateral sclerosis type 4; Spinocerebellar ataxia, autosomal recessive, with axonal neuropathy 2. Last evaluated: 2025-12-08. Review status: criteria provided, single submitter. Criteria: Invitae Variant Classification Sherloc (09022015). Collection method: clinical testing. Allele origin: germline.

CeGaT Center for Human Genetics Tuebingen
Classification: Likely benign. Last evaluated: 2025-12-01. Review status: criteria provided, single submitter. Criteria: CeGaT Center For Human Genetics Tuebingen Variant Classification Criteria Version 2. Collection method: clinical testing. Allele origin: germline. Affected: yes. Observed: 1 variant allele.
Comment: SETX: PM4, BS2

Genome-Nilou Lab
Classification: Likely benign for Spinocerebellar ataxia, autosomal recessive, with axonal neuropathy 2. Last evaluated: 2023-02-08. Review status: criteria provided, single submitter. Criteria: ACMG Guidelines, 2015. Collection method: clinical testing. Allele origin: germline.

Genome-Nilou Lab
Classification: Likely benign for Amyotrophic lateral sclerosis type 4. Last evaluated: 2023-02-08. Review status: criteria provided, single submitter. Criteria: ACMG Guidelines, 2015. Collection method: clinical testing. Allele origin: germline.

Ambry Genetics
Classification: Likely benign for Inborn genetic diseases. Last evaluated: 2021-04-27. Review status: criteria provided, single submitter. Criteria: Ambry Variant Classification Scheme 2023. Collection method: clinical testing. Allele origin: germline.

Juno Genomics, Hangzhou Juno Genomics, Inc
Classification: Likely benign for Spinocerebellar ataxia, autosomal recessive, with axonal neuropathy 2; Amyotrophic lateral sclerosis type 4. Review status: criteria provided, single submitter. Criteria: ACMG Guidelines, 2015. Collection method: clinical testing. Allele origin: germline.
Comment: Protein length changes due to in-frame deletions/insertions in a non-repeat region or stop-loss variants.;Observed in a healthy adult individual for a recessive/dominant/X-linked disorder with full penetrance.

PreventionGenetics, part of Exact Sciences
Classification: Likely benign for SETX-related condition. Last evaluated: 2023-11-07. Review status: no assertion criteria provided. Collection method: clinical testing. Allele origin: germline. Not counted in ClinVar's aggregate classification.
Comment: This variant is classified as likely benign based on ACMG/AMP sequence variant interpretation guidelines (Richards et al. 2015 PMID: 25741868, with internal and published modifications).